The following is an entry in ClinVar:

NM_007294.4(BRCA1):c.2056G>T (p.Glu686Ter)

Gene: BRCA1 (BRCA1 DNA repair associated; minus strand). Cytogenetic location: 17q21.31.
Variant type: single nucleotide variant.
Coding change: c.2056G>T on transcript NM_007294.4 (MANE Select); coding-DNA position 2056, G replaced by T.
Protein change: p.Glu686Ter; replaces glutamic acid 686 with a stop codon.
Molecular consequence: nonsense. On other transcripts: intron variant (137).
Genome position (GRCh38, 1-based): chr17:43,093,475, C>A on the plus strand (G>T on the coding strand, the complement: BRCA1 is on the minus strand). VCF-style: chr17-43093475-C-A. GRCh37 (hg19) VCF-style: chr17-41245492-C-A.
Other names: c.1930G>T, p.Glu644Ter (NM_001407688.1, NM_001407689.1, NM_001407690.1 and 11 more transcripts); c.1915G>T, p.Glu639Ter (NM_001407692.1, NM_001407694.1, NM_001407695.1 and 29 more transcripts); c.1912G>T, p.Glu638Ter (NM_001407740.1, NM_001407838.1, NM_001407839.1 and 20 more transcripts); c.2056G>T, p.Glu686Ter (NM_001407858.1, NM_001407859.1, NM_001407581.1 and 30 more transcripts); c.2053G>T, p.Glu685Ter (NM_001407860.1, NM_001407861.1, NM_001407587.1 and 22 more transcripts); c.1855G>T, p.Glu619Ter (NM_001407862.1); c.1933G>T, p.Glu645Ter (NM_001407863.1, NM_001407664.1, NM_001407665.1 and 19 more transcripts); c.1852G>T, p.Glu618Ter (NM_001407874.1, NM_001407875.1); and 40 more; short protein forms E686*, E639*, E558*, E574*, E598*, E616*, E638*, E660*.
Identifiers: ClinVar variation 142776 (VCV000142776.23), dbSNP rs587782709, ClinGen allele CA001362.
Genomic context (GRCh38, chr17:43,093,475, plus strand): 5'-GTGCATTTGTTAACTTCAGCTCTGGGAAAGTATCGCTGTCATGTCTTTTACTTGTCTGTT[C>A]ATTTGGCTTGTTACTCTTCTTGGCTCCAGTTGCAGGTTCTTTACCTTCCATGAGTTGTAG-3'

ClinVar aggregate classification (germline): Pathogenic. Review status: reviewed by expert panel (3 of 4 stars). 4 submissions from 4 submitters: Pathogenic (1). 3 of the submissions do not count toward it. Last evaluated 2016-09-08.

Conditions:
Hereditary cancer-predisposing syndrome. Also called: Tumor predisposition; Hereditary neoplastic syndrome; Hereditary Cancer Syndrome; Neoplastic Syndromes, Hereditary. Identifiers: Orphanet 140162, MedGen C0027672, MeSH D009386, MONDO:0015356.
Hereditary breast ovarian cancer syndrome. Also called: Hereditary breast and/or ovarian cancer syndrome; Breast and ovarian cancer; Hereditary breast and ovarian cancer syndrome; Hereditary breast and ovarian cancer; Hereditary breast and ovarian cancer syndrome (HBOC); BRCA1- and BRCA2-Associated Hereditary Breast and Ovarian Cancer. Identifiers: Orphanet 145, MedGen C0677776, MeSH D061325, MONDO:0003582. Disease mechanism: loss of function.
Breast-ovarian cancer, familial, susceptibility to, 1 (BROVCA1). Also called: BRCA1 Hereditary Breast and Ovarian Cancer; OVARIAN CANCER, SUSCEPTIBILITY TO. Identifiers: Orphanet 145, MedGen C2676676, MONDO:0011450, OMIM 604370. Disease mechanism: loss of function.

Allele frequency attached by ClinVar (database versions not stated): TOPMed below 0.00001.

Submissions (4):

Evidence-based Network for the Interpretation of Germline Mutant Alleles (ENIGMA)
Classification: Pathogenic for Breast-ovarian cancer, familial, susceptibility to, 1. Last evaluated: 2016-09-08. Review status: reviewed by expert panel. Criteria: ENIGMA BRCA1/2 Classification Criteria (2015). Collection method: curation. Allele origin: germline.
Comment: Variant allele predicted to encode a truncated non-functional protein.

Ambry Genetics
Classification: Pathogenic for Hereditary cancer-predisposing syndrome. Last evaluated: 2025-12-18. Review status: criteria provided, single submitter. Criteria: Ambry Variant Classification Scheme 2023. Collection method: clinical testing. Allele origin: germline. Not counted in ClinVar's aggregate classification.
Comment: The p.E686* pathogenic mutation (also known as c.2056G>T), located in coding exon 9 of the BRCA1 gene, results from a G to T substitution at nucleotide position 2056. This changes the amino acid from a glutamic acid to a stop codon within coding exon 9. This variant is considered to be rare based on population cohorts in the Genome Aggregation Database (gnomAD). This alteration is expected to result in loss of function by premature protein truncation or nonsense-mediated mRNA decay. As such, this alteration is interpreted as a disease-causing mutation.

Labcorp Genetics (formerly Invitae), Labcorp
Classification: Pathogenic for Hereditary breast ovarian cancer syndrome. Last evaluated: 2024-01-29. Review status: criteria provided, single submitter. Criteria: Invitae Variant Classification Sherloc (09022015). Collection method: clinical testing. Allele origin: germline. Not counted in ClinVar's aggregate classification.
Comment: This sequence change creates a premature translational stop signal (p.Glu686*) in the BRCA1 gene. It is expected to result in an absent or disrupted protein product. Loss-of-function variants in BRCA1 are known to be pathogenic (PMID: 20104584). This variant is not present in population databases (gnomAD no frequency). This premature translational stop signal has been observed in individual(s) with clinical features of BRCA1-related conditions (PMID: 21520333). ClinVar contains an entry for this variant (Variation ID: 142776). For these reasons, this variant has been classified as Pathogenic.

Revvity Omics, Revvity
Classification: Pathogenic. Last evaluated: 2020-10-21. Review status: criteria provided, single submitter. Criteria: ACMG Guidelines, 2015. Collection method: clinical testing. Allele origin: germline. Not counted in ClinVar's aggregate classification.

Literature cited by the submitters: PubMed 20104584 (cited by Labcorp Genetics (formerly Invitae), Labcorp); PubMed 21520333 (cited by Labcorp Genetics (formerly Invitae), Labcorp).